The following is an entry in ClinVar:

ClinVar aggregate classification (germline): Likely pathogenic (1 of 4 stars; one submission).

Conditions:
Cohen syndrome (COH1). Also called: PEPPER SYNDROME; Cutis verticis gyrata, retinitis pigmentosa, and sensorineural deafness. Identifiers: Orphanet 193, MedGen C0265223, MONDO:0008999, OMIM 216550.

Submission:

Natera, Inc.
Classification: Likely pathogenic for Cohen syndrome. Last evaluated: 2024-10-22. Review status: criteria provided, single submitter. Criteria: Natera Variant Classification Schema (03/2026). Collection method: clinical testing. Allele origin: germline.
Comment: The c.11675C>G variant in VPS13B is a nonsense variant predicted to introduce a stop codon at amino acid 3892. This variant is expected to result in nonsense mediated decay, truncation, or a dysfunctional protein product. This variant is rare in the general population with a frequency below the threshold expected for the associated phenotype(s). Given the available evidence, this variant is classified as Likely Pathogenic.

NM_152564.5(VPS13B):c.11600C>G (p.Ser3867Ter)

Gene: VPS13B (vacuolar protein sorting 13 homolog B; plus strand). Cytogenetic location: 8q22.2.
Variant type: single nucleotide variant.
Coding change: c.11600C>G on transcript NM_152564.5 (MANE Select); coding-DNA position 11600, C replaced by G.
Protein change: p.Ser3867Ter; replaces serine 3867 with a stop codon.
Molecular consequence: nonsense.
Genome position (GRCh38, 1-based): chr8:99,871,552, C>G. VCF-style: chr8-99871552-C-G. GRCh37 (hg19) VCF-style: chr8-100883780-C-G.
Other names: c.11675C>G, p.Ser3892Ter (NM_017890.5); short protein forms S3867*, S3892*.
Identifiers: ClinVar variation 4815932 (VCV004815932.1).